The following is an entry in ClinVar:

ClinVar aggregate classification (germline): Likely pathogenic (1 of 4 stars; one submission).

Conditions:
Familial long QT syndrome (RWS). Also called: Romano-Ward syndrome; VENTRICULAR FIBRILLATION WITH PROLONGED QT INTERVAL; Congenital long QT syndrome. Identifiers: Orphanet 768, MedGen C1141890, MONDO:0019171.

Submission:

Laboratory for Molecular Medicine, Mass General Brigham Personalized Medicine
Classification: Likely pathogenic for Familial long QT syndrome. Last evaluated: 2018-04-05. Review status: criteria provided, single submitter. Criteria: ACMG Guidelines, 2015. Collection method: clinical testing. Allele origin: germline.
Comment: The p.Pro64fs variant in KCNQ1 has not been reported in individuals with long QT syndrome, but was reported as a de novo occurence in 1 individual with epilepsy (Sabharwal 2017). Data from large population studies is insufficient to assess the frequency of this variant. This variant is predicted to cause a frameshift, which alters the protein's amino acid sequence beginning at codon 64 and leads to a premature stop codon 22 amino acids downstream. This alteration is then predicted to lead to a truncated or absent protein. Loss-of-function variants in KCNQ1 lead to Jervell and Lange-Nielsen syndrome (JLNS) in compound heterozygous and homozygous individuals, while dominant-negative and loss-of-function variants in KCNQ1 have been shown to cause dominantly inherited long QT syndrome 1 (also known as Romano-Ward syndrome) in heterozygous individuals. In summary, though additional studies are required to fully establish its clinical significance, the p.Pro64fs variant is likely pathogenic. ACMG/AMP Criteria applied: PVS1.

Literature cited by the submitters: PubMed 29588980.

NM_000218.3(KCNQ1):c.191del (p.Pro64fs)

Gene: KCNQ1 (potassium voltage-gated channel subfamily Q member 1; plus strand). Cytogenetic location: 11p15.5.
Variant type: Deletion.
Coding change: c.191del on transcript NM_000218.3 (MANE Select); coding-DNA position 191, one base deleted (C; older notation c.191delC).
Protein change: p.Pro64fs; shifts the reading frame from proline 64.
Molecular consequence: frameshift variant. On other transcripts: 5 prime UTR variant (1).
Genome position (GRCh38, 1-based): chr11:2,445,289, C deleted; the last of 5 consecutive C bases (chr11:2,445,285-2,445,289); deleting any one gives the same sequence. VCF-style (leftmost placement, unchanged base first): chr11-2445284-GC-G. GRCh37 (hg19) VCF-style: chr11-2466514-GC-G.
Other names: c.191del, p.Pro64fs (NM_001406836.1, NM_001406838.1); c.-172del (NM_001406837.1); short protein forms P64fs.
Identifiers: ClinVar variation 3076068 (VCV003076068.1), dbSNP rs2496741859, ClinGen allele CA913188339.